The following is an entry in ClinVar:

NM_003839.4(TNFRSF11A):c.1334T>C (p.Val445Ala)

Gene: TNFRSF11A (TNF receptor superfamily member 11a; plus strand). Cytogenetic location: 18q21.33.
Variant type: single nucleotide variant.
Coding change: c.1334T>C on transcript NM_003839.4 (MANE Select); coding-DNA position 1334, T replaced by C.
Protein change: p.Val445Ala; replaces valine 445 with alanine.
Molecular consequence: missense variant. On other transcripts: intron variant (3).
Genome position (GRCh38, 1-based): chr18:62,369,251, T>C. VCF-style: chr18-62369251-T-C. GRCh37 (hg19) VCF-style: chr18-60036484-T-C.
Other names: c.1292T>C, p.Val431Ala (NM_001278268.2); c.783+2491T>C (NM_001270949.2); c.730+7458T>C (NM_001270950.2); c.616+9202T>C (NM_001270951.2); short protein forms V445A, V431A.
Identifiers: ClinVar variation 4716334 (VCV004716334.1).

ClinVar aggregate classification (germline): Uncertain significance (1 of 4 stars; one submission).

Submission:

Labcorp Genetics (formerly Invitae), Labcorp
Classification: Uncertain significance. Last evaluated: 2025-05-12. Review status: criteria provided, single submitter. Criteria: Invitae Variant Classification Sherloc (09022015). Collection method: clinical testing. Allele origin: germline.
Comment: This sequence change replaces valine, which is neutral and non-polar, with alanine, which is neutral and non-polar, at codon 445 of the TNFRSF11A protein (p.Val445Ala). This variant is not present in population databases (gnomAD no frequency). This variant has not been reported in the literature in individuals affected with TNFRSF11A-related conditions. An algorithm developed to predict the effect of missense changes on protein structure and function (PolyPhen-2) suggests that this variant is likely to be tolerated. In summary, the available evidence is currently insufficient to determine the role of this variant in disease. Therefore, it has been classified as a Variant of Uncertain Significance.